The following is an entry in ClinVar:

ClinVar aggregate classification (germline): Pathogenic/Likely pathogenic. Review status: criteria provided, multiple submitters, no conflicts (2 of 4 stars). 4 submissions from 4 submitters: Pathogenic (2); Likely pathogenic (1). 1 of the submissions does not count toward it. Last evaluated 2025-06-15.

Conditions:
Glutaric aciduria, type 1. Also called: GA I; Glutaricaciduria, type I; Glutaric Acidemia Type 1; Glutaric acidemia type I; Glutaricacidemia Type 1; Glutaryl-CoA dehydrogenase deficiency. Identifiers: Orphanet 25, MedGen C0268595, MONDO:0009281, OMIM 231670.

Allele frequency attached by ClinVar (database versions not stated): gnomAD 0.00001; TOPMed 0.00001; gnomAD exomes 0.00002.

Submissions (4):

Labcorp Genetics (formerly Invitae), Labcorp
Classification: Pathogenic for Glutaric aciduria, type 1. Last evaluated: 2025-06-15. Review status: criteria provided, single submitter. Criteria: Invitae Variant Classification Sherloc (09022015). Collection method: clinical testing. Allele origin: germline.
Comment: This sequence change creates a premature translational stop signal (p.Ile401Aspfs*18) in the GCDH gene. While this is not anticipated to result in nonsense mediated decay, it is expected to disrupt the last 38 amino acid(s) of the GCDH protein. This variant is not present in population databases (gnomAD no frequency). This variant has not been reported in the literature in individuals affected with GCDH-related conditions. ClinVar contains an entry for this variant (Variation ID: 1066472). This variant disrupts a region of the GCDH protein in which other variant(s) (p.Ala433Glu) have been determined to be pathogenic (PMID: 9600243; internal data). This suggests that this is a clinically significant region of the protein, and that variants that disrupt it are likely to be disease-causing. For these reasons, this variant has been classified as Pathogenic.

Victorian Clinical Genetics Services, Murdoch Childrens Research Institute
Classification: Pathogenic for Glutaric aciduria, type 1. Last evaluated: 2023-07-17. Review status: criteria provided, single submitter. Criteria: ACMG Guidelines, 2015. Collection method: clinical testing. Allele origin: germline. Inheritance: Autosomal recessive inheritance. Affected: no.
Comment: Based on the classification scheme VCGS_Germline_v1.3.4, this variant is classified as Pathogenic. Following criteria are met: 0102 - Loss of function is a known mechanism of disease in this gene and is associated with glutaricaciduria, type I (MIM#231670). (I) 0106 - This gene is associated with autosomal recessive disease. (I) 0115 - Variants in this gene are known to have variable expressivity (GeneReviews). (I) 0205 - Variant is predicted to result in a truncated protein (premature termination codon is NOT located at least 54 nucleotides upstream of the final exon-exon junction) with less than 1/3 of the protein sequence affected. (SP) 0251 - This variant is heterozygous. (I) 0304 - Variant is present in gnomAD <0.01 for a recessive condition (v3: 1 heterozygote, 0 homozygotes). (SP) 0600 - Variant is located in the annotated acyl-CoA dehydrogenase, C-terminal domain (DECIPHER). 0701 - Other variants predicted to result in a truncated protein located downstream and comparable to the one identified in this case have very strong previous evidence for pathogenicity (ClinVar, PMIDs: 19433437, 28794906, 11508549). (SP) 0803 - This variant has limited previous evidence of pathogenicity in unrelated individuals. It has been regarded as likely pathogenic by three diagnostic laboratories in ClinVar. (SP) 0905 - No published segregation evidence has been identified for this variant. (I) 1007 - No published functional evidence has been identified for this variant. (I) 1208 - Inheritance information for this variant is not currently available in this individual. (I) Legend: (SP) - Supporting pathogenic, (I) - Information, (SB) - Supporting benign

GeneDx
Classification: Likely pathogenic. Last evaluated: 2021-02-10. Review status: criteria provided, single submitter. Criteria: GeneDx Variant Classification Process June 2021. Collection method: clinical testing. Allele origin: germline. Affected: yes.
Comment: Frameshift variant in the C-terminus predicted to result in protein truncation, as the last 38 amino acids are lost and replaced with 17 incorrect amino acids (Stenson et al., 2014); Has not been previously published as pathogenic or benign to our knowledge; Not observed in large population cohorts (Lek et al., 2016)

Natera, Inc.
Classification: Likely pathogenic for Glutaric acidemia type 1. Last evaluated: 2021-04-08. Review status: no assertion criteria provided. Collection method: clinical testing. Allele origin: germline. Not counted in ClinVar's aggregate classification.

Literature cited by the submitters: PubMed 9600243 (cited by Labcorp Genetics (formerly Invitae), Labcorp); PubMed 11508549 (cited by Victorian Clinical Genetics Services, Murdoch Childrens Research Institute); PubMed 19433437 (cited by Victorian Clinical Genetics Services, Murdoch Childrens Research Institute); PubMed 28794906 (cited by Victorian Clinical Genetics Services, Murdoch Childrens Research Institute).

NM_000159.4(GCDH):c.1199dup (p.Ile401fs)

Gene: GCDH (glutaryl-CoA dehydrogenase; plus strand). Cytogenetic location: 19p13.13.
Variant type: Duplication.
Coding change: c.1199dup on transcript NM_000159.4 (MANE Select); coding-DNA position 1199, one base duplicated (T; older notation c.1199dupT).
Protein change: p.Ile401fs; shifts the reading frame from isoleucine 401.
Molecular consequence: frameshift variant. On other transcripts: non-coding transcript variant (2).
Genome position (GRCh38, 1-based): chr19:12,897,819, T duplicated. VCF-style (leftmost placement, unchanged base first): chr19-12897818-G-GT. GRCh37 (hg19) VCF-style: chr19-13008632-G-GT.
Other names: c.1199dup, p.Ile401fs (NM_013976.5); c.1199dupT (NM_000159.3); short protein forms I401fs.
Identifiers: ClinVar variation 1066472 (VCV001066472.15), dbSNP rs1970722328, ClinGen allele CA505649814.
Genomic context (GRCh38, chr19:12,897,818, plus strand): 5'-GACATCGCCCGCCAGGCCCGAGACATGCTGGGGGGGAATGGGATTTCTGACGAGTATCAC[G>GT]TGATCCGGCACGCCATGAACCTGGAGGCCGTGAACACCTACGAAGGTAGGAGCTGGACCT-3'